The following is an entry in ClinVar:

ClinVar aggregate classification (germline): Uncertain significance. Review status: criteria provided, multiple submitters, no conflicts (2 of 4 stars). 2 submissions from 2 submitters: Uncertain significance (2). Last evaluated 2025-09-18.

Conditions:
Inborn genetic diseases. Identifiers: MedGen C0950123, MeSH D030342.

Allele frequency attached by ClinVar (database versions not stated): ExAC 0.00001; gnomAD 0.00002; gnomAD exomes 0.00002; TOPMed 0.00002.

Submissions (2):

Labcorp Genetics (formerly Invitae), Labcorp
Classification: Uncertain significance. Last evaluated: 2025-09-18. Review status: criteria provided, single submitter. Criteria: Invitae Variant Classification Sherloc (09022015). Collection method: clinical testing. Allele origin: germline.
Comment: This sequence change replaces aspartic acid, which is acidic and polar, with asparagine, which is neutral and polar, at codon 153 of the LCT protein (p.Asp153Asn). This variant is present in population databases (rs758893833, gnomAD 0.006%). This variant has not been reported in the literature in individuals affected with LCT-related conditions. ClinVar contains an entry for this variant (Variation ID: 2353847). An algorithm developed to predict the effect of missense changes on protein structure and function outputs the following: PolyPhen-2: "Benign". The asparagine amino acid residue is found in multiple mammalian species, which suggests that this missense change does not adversely affect protein function. In summary, the available evidence is currently insufficient to determine the role of this variant in disease. Therefore, it has been classified as a Variant of Uncertain Significance.

Ambry Genetics
Classification: Uncertain significance for Inborn genetic diseases. Last evaluated: 2024-05-20. Review status: criteria provided, single submitter. Criteria: Ambry Variant Classification Scheme 2023. Collection method: clinical testing. Allele origin: germline.

NM_002299.4(LCT):c.457G>A (p.Asp153Asn)

Gene: LCT (lactase; minus strand). Cytogenetic location: 2q21.3.
Variant type: single nucleotide variant.
Coding change: c.457G>A on transcript NM_002299.4 (MANE Select); coding-DNA position 457, G replaced by A.
Protein change: p.Asp153Asn; replaces aspartic acid 153 with asparagine.
Molecular consequence: missense variant.
Genome position (GRCh38, 1-based): chr2:135,836,713, C>T on the plus strand (G>A on the coding strand, the complement: LCT is on the minus strand). VCF-style: chr2-135836713-C-T. GRCh37 (hg19) VCF-style: chr2-136594283-C-T.
Other names: short protein forms D153N.
Identifiers: ClinVar variation 2353847 (VCV002353847.4), dbSNP rs758893833, ClinGen allele CA1888629.